The following is an entry in ClinVar:

NM_001166108.2(PALLD):c.1219A>T (p.Thr407Ser)

Gene: PALLD (palladin, cytoskeletal associated protein; plus strand). Cytogenetic location: 4q32.3.
Variant type: single nucleotide variant.
Coding change: c.1219A>T on transcript NM_001166108.2 (MANE Select); coding-DNA position 1219, A replaced by T.
Protein change: p.Thr407Ser; replaces threonine 407 with serine.
Molecular consequence: missense variant.
Genome position (GRCh38, 1-based): chr4:168,683,062, A>T. VCF-style: chr4-168683062-A-T. GRCh37 (hg19) VCF-style: chr4-169604213-A-T.
Other names: c.73A>T, p.Thr25Ser (NM_001166109.2); c.1219A>T, p.Thr407Ser (NM_016081.4); short protein forms T407S, T25S.
Identifiers: ClinVar variation 348035 (VCV000348035.6), dbSNP rs775730191, ClinGen allele CA3135545.
Genomic context (GRCh38, chr4:168,683,062, plus strand): 5'-CAAAAGAAAACAACTTCTGTTTCCTTGACAATAGGATCATCATCTCCAAAGACAGGGGTG[A>T]CCACAGCTGTGATTCAACCACTGTCTGTCCCTGTGCAACAGGTAAGTATGCTTTGAGCCA-3'
Protein context (NP_001159580.1, residues 397-417): IGSSSPKTGV[Thr407Ser]TAVIQPLSVP

ClinVar aggregate classification (germline): Uncertain significance. Review status: criteria provided, multiple submitters, no conflicts (2 of 4 stars). 2 submissions from 2 submitters: Uncertain significance (2). Last evaluated 2022-03-16.

Conditions:
Pancreatic cancer, susceptibility to, 1. Identifiers: Orphanet 1333, MedGen C1847351, MONDO:0011739, OMIM 606856.
Hereditary cancer-predisposing syndrome. Also called: Neoplastic Syndromes, Hereditary; Tumor predisposition; Hereditary neoplastic syndrome; Hereditary Cancer Syndrome. Identifiers: Orphanet 140162, MedGen C0027672, MeSH D009386, MONDO:0015356.

Allele frequency attached by ClinVar (database versions not stated): TOPMed below 0.00001; ExAC 0.00001; gnomAD 0.00001; gnomAD exomes 0.00001.
gnomAD v4.1: 14 of 1,612,638 alleles (0.00087%); highest among the groups gnomAD compares: Admixed American, 0.0017%; no homozygotes.

Submissions (2):

Ambry Genetics
Classification: Uncertain significance for Hereditary cancer-predisposing syndrome. Last evaluated: 2022-03-16. Review status: criteria provided, single submitter. Criteria: Ambry General Variant Classification Scheme_2022. Collection method: clinical testing. Allele origin: germline. Observed: 1 variant allele.
Comment: The p.T407S variant (also known as c.1219A>T), located in coding exon 4 of the PALLD gene, results from an A to T substitution at nucleotide position 1219. The threonine at codon 407 is replaced by serine, an amino acid with similar properties. This amino acid position is conserved. In addition, this alteration is predicted to be tolerated by in silico analysis. Since supporting evidence is limited at this time, the clinical significance of this alteration remains unclear.

Illumina Laboratory Services, Illumina
Classification: Uncertain significance for Pancreatic cancer, susceptibility to, 1. Last evaluated: 2018-01-13. Review status: criteria provided, single submitter. Criteria: ICSL Variant Classification Criteria 13 December 2019. Collection method: clinical testing. Allele origin: germline.